The following is an entry in ClinVar:

NM_001458.5(FLNC):c.3798G>T (p.Leu1266=)

Gene: FLNC (filamin C; plus strand). Cytogenetic location: 7q32.1.
Variant type: single nucleotide variant.
Coding change: c.3798G>T on transcript NM_001458.5 (MANE Select); coding-DNA position 3798, G replaced by T.
Protein change: p.Leu1266=; no amino-acid change (leucine 1266 retained).
Molecular consequence: synonymous variant.
Genome position (GRCh38, 1-based): chr7:128,845,997, G>T. VCF-style: chr7-128845997-G-T. GRCh37 (hg19) VCF-style: chr7-128486051-G-T.
Other names: c.3798G>T, p.Leu1266= (NM_001127487.2).
Identifiers: ClinVar variation 705604 (VCV000705604.16), dbSNP rs755949518, ClinGen allele CA4475144.
Genomic context (GRCh38, chr7:128,845,997, plus strand): 5'-TCTGTGTGAAGGCTGCCCCCACCCCTGCTGAACACGCCACCCCTGGGCTCCAGGTGTCCT[G>T]CGGGAGGTGACCACTGAGTTCACTGTGGATGCAAGATCCCTAACAGCCACAGGCGGCAAC-3'
Protein context (NP_001449.3, residues 1256-1276): SGPGVEPHGV[Leu1266=]REVTTEFTVD

ClinVar aggregate classification (germline): Likely benign. Review status: criteria provided, multiple submitters, no conflicts (2 of 4 stars). 4 submissions from 4 submitters: Likely benign (3). 1 of the submissions does not count toward it. Last evaluated 2025-10-01.

Conditions:
Cardiovascular phenotype. Identifiers: MedGen CN230736.
FLNC-related disorder. Also called: FLNC-related condition; FLNC-related disorders.
Myofibrillar myopathy 5. Also called: Filaminopathy (type); FILAMINOPATHY, AUTOSOMAL DOMINANT. Identifiers: Orphanet 171445, MedGen C1836050, MONDO:0012289, OMIM 609524.
Distal myopathy with posterior leg and anterior hand involvement. Also called: WILLIAMS DISTAL MYOPATHY. Identifiers: Orphanet 63273, MedGen C3279722, MONDO:0013550, OMIM 614065.
Hypertrophic cardiomyopathy 26. Also called: Cardiomyopathy, familial hypertrophic, 26. Identifiers: Orphanet 75249, MedGen C4310749, MONDO:0014883, OMIM 617047.

Allele frequency attached by ClinVar (database versions not stated): ExAC 0.00001; TOPMed 0.00002.
gnomAD v4.1: 19 of 1,613,642 alleles (0.0012%); highest among the groups gnomAD compares: Middle Eastern, 0.033%; 1 homozygote.

Submissions (4):

Labcorp Genetics (formerly Invitae), Labcorp
Classification: Likely benign for Distal myopathy with posterior leg and anterior hand involvement; Myofibrillar myopathy 5; Hypertrophic cardiomyopathy 26. Last evaluated: 2025-10-01. Review status: criteria provided, single submitter. Criteria: Invitae Variant Classification Sherloc (09022015). Collection method: clinical testing. Allele origin: germline.

Ambry Genetics
Classification: Likely benign for Cardiovascular phenotype. Last evaluated: 2022-11-27. Review status: criteria provided, single submitter. Criteria: Ambry Variant Classification Scheme 2023. Collection method: clinical testing. Allele origin: germline.

GeneDx
Classification: Likely benign. Last evaluated: 2019-12-17. Review status: criteria provided, single submitter. Criteria: GeneDx Variant Classification Process June 2021. Collection method: clinical testing. Allele origin: germline. Affected: yes.

PreventionGenetics, part of Exact Sciences
Classification: Likely benign for FLNC-related condition. Last evaluated: 2020-10-04. Review status: no assertion criteria provided. Collection method: clinical testing. Allele origin: germline. Not counted in ClinVar's aggregate classification.
Comment: This variant is classified as likely benign based on ACMG/AMP sequence variant interpretation guidelines (Richards et al. 2015 PMID: 25741868, with internal and published modifications).